The following is an entry in ClinVar:

NM_033026.6(PCLO):c.12242G>A (p.Arg4081Gln)

Gene: PCLO (piccolo presynaptic cytomatrix protein; minus strand). Cytogenetic location: 7q21.11.
Variant type: single nucleotide variant.
Coding change: c.12242G>A on transcript NM_033026.6 (MANE Select); coding-DNA position 12242, G replaced by A.
Protein change: p.Arg4081Gln; replaces arginine 4081 with glutamine.
Molecular consequence: missense variant.
Genome position (GRCh38, 1-based): chr7:82,915,744, C>T on the plus strand (G>A on the coding strand, the complement: PCLO is on the minus strand). VCF-style: chr7-82915744-C-T. GRCh37 (hg19) VCF-style: chr7-82545060-C-T.
Other names: c.12242G>A, p.Arg4081Gln (NM_014510.3); c.12242G>A (NM_033026.5); short protein forms R4081Q.
Identifiers: ClinVar variation 1442911 (VCV001442911.6), dbSNP rs745870188, ClinGen allele CA4319412.
Genomic context (GRCh38, chr7:82,915,744, plus strand): 5'-GAAGACTGTAAAGGTGCTAGGAAATCTGTCACTTCTTGAGACCGGCGTGTCTCAGTGGTT[C>T]GAAGGAGACGGTCTGTTTTTGACAGATCCTTTTCATGAAGGCTAAATGCGGTGCTTAATG-3'
Protein context (NP_149015.2, residues 4071-4091): KDLSKTDRLL[Arg4081Gln]TTETRRSQEV

ClinVar aggregate classification (germline): Uncertain significance. Review status: criteria provided, multiple submitters, no conflicts (2 of 4 stars). 2 submissions from 2 submitters: Uncertain significance (2). Last evaluated 2025-05-13.

Conditions:
Inborn genetic diseases. Identifiers: MedGen C0950123, MeSH D030342.

Allele frequency attached by ClinVar (database versions not stated): TOPMed 0.00002; gnomAD 0.00006 and 0.00001; gnomAD exomes 0.00008 and 0.00013; ExAC 0.00020.
gnomAD v4.1: 127 of 1,611,784 alleles (0.0079%); highest among the groups gnomAD compares: South Asian, 0.13%; 3 homozygotes.

Submissions (2):

Ambry Genetics
Classification: Uncertain significance for Inborn genetic diseases. Last evaluated: 2025-05-13. Review status: criteria provided, single submitter. Criteria: Ambry Variant Classification Scheme 2023. Collection method: clinical testing. Allele origin: germline.

Labcorp Genetics (formerly Invitae), Labcorp
Classification: Uncertain significance. Last evaluated: 2022-07-25. Review status: criteria provided, single submitter. Criteria: Invitae Variant Classification Sherloc (09022015). Collection method: clinical testing. Allele origin: germline.
Comment: This sequence change replaces arginine, which is basic and polar, with glutamine, which is neutral and polar, at codon 4081 of the PCLO protein (p.Arg4081Gln). This variant is present in population databases (rs745870188, gnomAD 0.1%). This variant has not been reported in the literature in individuals affected with PCLO-related conditions. ClinVar contains an entry for this variant (Variation ID: 1442911). Algorithms developed to predict the effect of missense changes on protein structure and function output the following: SIFT: "Deleterious"; PolyPhen-2: "Not Available"; Align-GVGD: "Class C0". The glutamine amino acid residue is found in multiple mammalian species, which suggests that this missense change does not adversely affect protein function. In summary, the available evidence is currently insufficient to determine the role of this variant in disease. Therefore, it has been classified as a Variant of Uncertain Significance.